The following is an entry in ClinVar:

NM_005751.5(AKAP9):c.4285G>A (p.Val1429Ile)

Gene: AKAP9 (A-kinase anchoring protein 9; plus strand). Cytogenetic location: 7q21.2.
Variant type: single nucleotide variant.
Coding change: c.4285G>A on transcript NM_005751.5 (MANE Select); coding-DNA position 4285, G replaced by A.
Protein change: p.Val1429Ile; replaces valine 1429 with isoleucine.
Molecular consequence: missense variant.
Genome position (GRCh38, 1-based): chr7:92,031,551, G>A. VCF-style: chr7-92031551-G-A. GRCh37 (hg19) VCF-style: chr7-91660865-G-A.
Other names: c.4285G>A, p.Val1429Ile (NM_147185.3); short protein forms V1429I.
Identifiers: ClinVar variation 3515946 (VCV003515946.1).

ClinVar aggregate classification (germline): Uncertain significance (1 of 4 stars; one submission).

Conditions:
Cardiovascular phenotype. Identifiers: MedGen CN230736.

gnomAD v4.1: 23 of 1,612,682 alleles (0.0014%); highest among the groups gnomAD compares: Admixed American, 0.0033%; no homozygotes.

Submission:

Ambry Genetics
Classification: Uncertain significance for Cardiovascular phenotype. Last evaluated: 2024-10-04. Review status: criteria provided, single submitter. Criteria: Ambry Variant Classification Scheme 2023. Collection method: clinical testing. Allele origin: germline.
Comment: The p.V1429I variant (also known as c.4285G>A), located in coding exon 16 of the AKAP9 gene, results from a G to A substitution at nucleotide position 4285. The valine at codon 1429 is replaced by isoleucine, an amino acid with highly similar properties. This amino acid position is conserved. In addition, this alteration is predicted to be tolerated by in silico analysis. Based on the available evidence, the clinical significance of this variant remains unclear.